The following is an entry in ClinVar:

ClinVar aggregate classification (germline): Uncertain significance (1 of 4 stars; one submission).

Conditions:
Developmental and epileptic encephalopathy, 54. Also called: Epileptic encephalopathy, early infantile, 54; HNRNPU-Related Neurodevelopmental Disorder. Identifiers: MedGen C4479319, MONDO:0033363, OMIM 617391.

Allele frequency attached by ClinVar (database versions not stated): gnomAD exomes below 0.00001.
gnomAD v4.1: 1 of 1,563,702 alleles (0.000064%); highest among the groups gnomAD compares: Non-Finnish European, 0.000086%; no homozygotes.

Submission:

Labcorp Genetics (formerly Invitae), Labcorp
Classification: Uncertain significance for Developmental and epileptic encephalopathy, 54. Last evaluated: 2022-07-22. Review status: criteria provided, single submitter. Criteria: Invitae Variant Classification Sherloc (09022015). Collection method: clinical testing. Allele origin: germline.
Comment: Algorithms developed to predict the effect of missense changes on protein structure and function are either unavailable or do not agree on the potential impact of this missense change (SIFT: "Deleterious"; PolyPhen-2: "Possibly Damaging"; Align-GVGD: "Class C0"). In summary, the available evidence is currently insufficient to determine the role of this variant in disease. Therefore, it has been classified as a Variant of Uncertain Significance. This variant has not been reported in the literature in individuals affected with HNRNPU-related conditions. This variant is not present in population databases (gnomAD no frequency). This sequence change replaces proline, which is neutral and non-polar, with leucine, which is neutral and non-polar, at codon 200 of the HNRNPU protein (p.Pro200Leu).

NM_031844.3(HNRNPU):c.599C>T (p.Pro200Leu)

Gene: HNRNPU (heterogeneous nuclear ribonucleoprotein U; minus strand). Cytogenetic location: 1q44.
Variant type: single nucleotide variant.
Coding change: c.599C>T on transcript NM_031844.3 (MANE Select); coding-DNA position 599, C replaced by T.
Protein change: p.Pro200Leu; replaces proline 200 with leucine.
Molecular consequence: missense variant.
Genome position (GRCh38, 1-based): chr1:244,863,709, G>A on the plus strand (C>T on the coding strand, the complement: HNRNPU is on the minus strand). VCF-style: chr1-244863709-G-A. GRCh37 (hg19) VCF-style: chr1-245027011-G-A.
Other names: c.599C>T, p.Pro200Leu (NM_004501.3); short protein forms P200L.
Identifiers: ClinVar variation 2178859 (VCV002178859.4), dbSNP rs2527894265, ClinGen allele CA345496383.